The following is an entry in ClinVar:

ClinVar aggregate classification (germline): Pathogenic (1 of 4 stars; one submission).

Conditions:
Combined oxidative phosphorylation defect type 17. Also called: Combined oxidative phosphorylation deficiency 17. Identifiers: Orphanet 369913, MedGen C3809526, MONDO:0014190, OMIM 615440.

Submission:

Labcorp Genetics (formerly Invitae), Labcorp
Classification: Pathogenic for Combined oxidative phosphorylation defect type 17. Last evaluated: 2025-12-16. Review status: criteria provided, single submitter. Criteria: Invitae Variant Classification Sherloc (09022015). Collection method: clinical testing. Allele origin: germline.
Comment: This sequence change creates a premature translational stop signal (p.Val256Cysfs*54) in the ELAC2 gene. It is expected to result in an absent or disrupted protein product. Loss-of-function variants in ELAC2 are known to be pathogenic (PMID: 27769300, 31045291). This variant is not present in population databases (gnomAD no frequency). This variant has not been reported in the literature in individuals affected with ELAC2-related conditions. ClinVar contains an entry for this variant (Variation ID: 1457297). For these reasons, this variant has been classified as Pathogenic.

Literature cited by the submitters: PubMed 27769300; PubMed 31045291.

NM_018127.7(ELAC2):c.766del (p.Val256fs)

Gene: ELAC2 (elaC ribonuclease Z 2; minus strand). Cytogenetic location: 17p12.
Variant type: Deletion.
Coding change: c.766del on transcript NM_018127.7 (MANE Select); coding-DNA position 766, one base deleted (G; older notation c.766delG).
Protein change: p.Val256fs; shifts the reading frame from valine 256.
Molecular consequence: frameshift variant.
Genome position (GRCh38, 1-based): chr17:13,005,952, C deleted on the plus strand (G on the coding strand, the reverse complement: ELAC2 is on the minus strand); the first of 2 consecutive C bases (chr17:13,005,952-13,005,953); deleting either gives the same sequence. VCF-style (leftmost placement, unchanged base first): chr17-13005951-AC-A. GRCh37 (hg19) VCF-style: chr17-12909268-AC-A.
Other names: c.646del, p.Val216fs (NM_001165962.2); c.766del, p.Val256fs (NM_173717.2); short protein forms V256fs, V216fs.
Identifiers: ClinVar variation 1457297 (VCV001457297.6), dbSNP rs2041085400, ClinGen allele CA2248396429.
Genomic context (GRCh38, chr17:13,005,951, plus strand): 5'-GTCCCCAGAAGCCTTACCCCCCACACTCACACTGGGAGGCCCATCTCCTTTGCTTTGAGC[AC>A]CAAGAAGTTTCCTCTCTTTAAGTGAAGCTGCAACAAAGAGAACATAGATGTGATCTTAGG-3'